The following is an entry in ClinVar:

NM_001197104.2(KMT2A):c.4292G>A (p.Arg1431Lys)

Gene: KMT2A (lysine methyltransferase 2A; plus strand). Cytogenetic location: 11q23.3.
Variant type: single nucleotide variant.
Coding change: c.4292G>A on transcript NM_001197104.2 (MANE Select); coding-DNA position 4292, G replaced by A.
Protein change: p.Arg1431Lys; replaces arginine 1431 with lysine.
Molecular consequence: missense variant.
Genome position (GRCh38, 1-based): chr11:118,484,935, G>A. VCF-style: chr11-118484935-G-A. GRCh37 (hg19) VCF-style: chr11-118355650-G-A.
Other names: c.4391G>A, p.Arg1464Lys (NM_001412597.1); c.4292G>A, p.Arg1431Lys (NM_005933.4); short protein forms R1431K, R1464K.
Identifiers: ClinVar variation 3622065 (VCV003622065.2).

ClinVar aggregate classification (germline): Uncertain significance (1 of 4 stars; one submission).

Submission:

Labcorp Genetics (formerly Invitae), Labcorp
Classification: Uncertain significance. Last evaluated: 2024-08-01. Review status: criteria provided, single submitter. Criteria: Invitae Variant Classification Sherloc (09022015). Collection method: clinical testing. Allele origin: germline.
Comment: This sequence change replaces arginine, which is basic and polar, with lysine, which is basic and polar, at codon 1431 of the KMT2A protein (p.Arg1431Lys). This variant is not present in population databases (gnomAD no frequency). This variant has not been reported in the literature in individuals affected with KMT2A-related conditions. Advanced modeling of protein sequence and biophysical properties (such as structural, functional, and spatial information, amino acid conservation, physicochemical variation, residue mobility, and thermodynamic stability) performed at Invitae indicates that this missense variant is not expected to disrupt KMT2A protein function with a negative predictive value of 95%. In summary, the available evidence is currently insufficient to determine the role of this variant in disease. Therefore, it has been classified as a Variant of Uncertain Significance.